The following is an entry in ClinVar:

ClinVar aggregate classification (germline): Uncertain significance. Review status: criteria provided, multiple submitters, no conflicts (2 of 4 stars). 10 submissions from 7 submitters: Uncertain significance (10). Last evaluated 2024-04-15.

Conditions:
Congenital myopathy 18. Also called: DIHYDROPYRIDINE RECEPTOR CONGENITAL MYOPATHY; DHPR CONGENITAL MYOPATHY; Myopathy, congenital, due to dihydropyridine receptor defect. Identifiers: MedGen C5830283, MONDO:0859514, OMIM 620246.
Hypokalemic periodic paralysis, type 1. Also called: Hypokalemic Periodic Paralysis Type 1 (AD); HypoPP. Identifiers: Orphanet 681, MedGen C3714580, MONDO:0042979, OMIM 170400.
Malignant hyperthermia, susceptibility to, 5 (MHS5). Also called: CACNA1S-Related Malignant Hyperthermia Susceptibility. Identifiers: Orphanet 423, MedGen C1866077, MONDO:0011163, OMIM 601887.
Thyrotoxic periodic paralysis, susceptibility to, 1 (TTPP1). Identifiers: Orphanet 79102, MedGen C2749982, MONDO:0008570, OMIM 188580.

Allele frequency attached by ClinVar (database versions not stated): gnomAD 0.00001; TOPMed 0.00005.
gnomAD v4.1: 17 of 1,613,994 alleles (0.0011%); highest among the groups gnomAD compares: African/African-American, 0.0027%; no homozygotes.

Submissions (10):

Blueprint Genetics
Classification: Uncertain significance. Last evaluated: 2024-04-15. Review status: criteria provided, single submitter. Criteria: ACMG Guidelines, 2015. Collection method: clinical testing. Allele origin: germline.

Color Diagnostics, LLC DBA Color Health
Classification: Uncertain significance for Malignant hyperthermia, susceptibility to, 5. Last evaluated: 2024-04-10. Review status: criteria provided, single submitter. Criteria: ACMG Guidelines, 2015. Collection method: clinical testing. Allele origin: germline.
Comment: This missense variant replaces alanine with threonine at codon 246 of the CACNA1S protein. Computational prediction suggests that this variant may not impact protein structure and function. To our knowledge, functional studies have not been reported for this variant. This variant has not been reported in individuals affected with CACNA1S-related disorders in the literature. This variant has been identified in 2/250654 chromosomes in the general population by the Genome Aggregation Database (gnomAD). The available evidence is insufficient to determine the role of this variant in disease conclusively. Therefore, this variant is classified as a Variant of Uncertain Significance.

All of Us Research Program, National Institutes of Health
Classification: Uncertain significance for Malignant hyperthermia, susceptibility to, 5. Last evaluated: 2023-12-01. Review status: criteria provided, single submitter. Criteria: ACMG Guidelines, 2015. Collection method: clinical testing. Allele origin: germline. Inheritance: Autosomal dominant inheritance. Observed: 3 variant alleles, 3 heterozygotes.
Comment: This study involves interpretation of variants in research participants for the purpose of population health screening. Participant phenotype was not available at the time of variant classification. Additional details can be found in publication PMID: 35346344, PMCID: PMC8962531

Labcorp Genetics (formerly Invitae), Labcorp
Classification: Uncertain significance for Hypokalemic periodic paralysis, type 1; Malignant hyperthermia, susceptibility to, 5. Last evaluated: 2023-10-03. Review status: criteria provided, single submitter. Criteria: Invitae Variant Classification Sherloc (09022015). Collection method: clinical testing. Allele origin: germline.
Comment: This sequence change replaces alanine, which is neutral and non-polar, with threonine, which is neutral and polar, at codon 246 of the CACNA1S protein (p.Ala246Thr). This variant is present in population databases (rs779799849, gnomAD 0.01%). This variant has not been reported in the literature in individuals affected with CACNA1S-related conditions. ClinVar contains an entry for this variant (Variation ID: 807895). Advanced modeling of protein sequence and biophysical properties (such as structural, functional, and spatial information, amino acid conservation, physicochemical variation, residue mobility, and thermodynamic stability) performed at Invitae indicates that this missense variant is not expected to disrupt CACNA1S protein function. In summary, the available evidence is currently insufficient to determine the role of this variant in disease. Therefore, it has been classified as a Variant of Uncertain Significance.

Genome-Nilou Lab
Classification: Uncertain significance for Malignant hyperthermia, susceptibility to, 5. Last evaluated: 2023-04-11. Review status: criteria provided, single submitter. Criteria: ACMG Guidelines, 2015. Collection method: clinical testing. Allele origin: germline. Affected: no.

Genome-Nilou Lab
Classification: Uncertain significance for Thyrotoxic periodic paralysis, susceptibility to, 1. Last evaluated: 2023-04-11. Review status: criteria provided, single submitter. Criteria: ACMG Guidelines, 2015. Collection method: clinical testing. Allele origin: germline. Affected: no.

Genome-Nilou Lab
Classification: Uncertain significance for Congenital myopathy 18. Last evaluated: 2023-04-11. Review status: criteria provided, single submitter. Criteria: ACMG Guidelines, 2015. Collection method: clinical testing. Allele origin: germline. Affected: no.

Genome-Nilou Lab
Classification: Uncertain significance for Hypokalemic periodic paralysis, type 1. Last evaluated: 2023-04-11. Review status: criteria provided, single submitter. Criteria: ACMG Guidelines, 2015. Collection method: clinical testing. Allele origin: germline. Affected: no.

Fulgent Genetics
Classification: Uncertain significance for Hypokalemic periodic paralysis, type 1; Thyrotoxic periodic paralysis, susceptibility to, 1; Malignant hyperthermia, susceptibility to, 5. Last evaluated: 2021-07-26. Review status: criteria provided, single submitter. Criteria: ACMG Guidelines, 2015. Collection method: clinical testing. Allele origin: unknown.

CeGaT Center for Human Genetics Tuebingen
Classification: Uncertain significance. Last evaluated: 2019-02-01. Review status: criteria provided, single submitter. Criteria: CeGaT Center For Human Genetics Tuebingen Variant Classification Criteria Version 2. Collection method: clinical testing. Allele origin: germline. Affected: yes. Observed: 1 variant allele.

NM_000069.3(CACNA1S):c.736G>A (p.Ala246Thr)

Gene: CACNA1S (calcium voltage-gated channel subunit alpha1 S; minus strand). Cytogenetic location: 1q32.1.
Variant type: single nucleotide variant.
Coding change: c.736G>A on transcript NM_000069.3 (MANE Select); coding-DNA position 736, G replaced by A.
Protein change: p.Ala246Thr; replaces alanine 246 with threonine.
Molecular consequence: missense variant.
Genome position (GRCh38, 1-based): chr1:201,089,422, C>T on the plus strand (G>A on the coding strand, the complement: CACNA1S is on the minus strand). VCF-style: chr1-201089422-C-T. GRCh37 (hg19) VCF-style: chr1-201058550-C-T.
Other names: short protein forms A246T.
Identifiers: ClinVar variation 807895 (VCV000807895.51), dbSNP rs779799849, ClinGen allele CA083979.
Genomic context (GRCh38, chr1:201,089,422, plus strand): 5'-GCCAGCCGCCCCGGCACTCACTGCCATTGATGGTGCACCGGCGCCCTGAGCCCGTCCTGG[C>T]GCAGGGCGATGGCTCTTCATTCTCCACCGTGGCCACGATATCTGGAGGCAGAAGGCAAAG-3'
Protein context (NP_000060.2, residues 236-256): TVENEEPSPC[Ala246Thr]RTGSGRRCTI